The following is an entry in ClinVar:

NM_002661.5(PLCG2):c.3528G>A (p.Glu1176=)

Gene: PLCG2 (phospholipase C gamma 2; plus strand). Cytogenetic location: 16q23.3.
Variant type: single nucleotide variant.
Coding change: c.3528G>A on transcript NM_002661.5 (MANE Select); coding-DNA position 3528, G replaced by A.
Protein change: p.Glu1176=; no amino-acid change (glutamic acid 1176 retained).
Molecular consequence: synonymous variant.
Genome position (GRCh38, 1-based): chr16:81,946,221, G>A. VCF-style: chr16-81946221-G-A. GRCh37 (hg19) VCF-style: chr16-81979826-G-A.
Identifiers: ClinVar variation 795926 (VCV000795926.32), dbSNP rs1441123083, ClinGen allele CA496716455.
Genomic context (GRCh38, chr16:81,946,221, plus strand): 5'-TTGTTCTGCTTCAGGATTCAGGTCCGTTCCTCTGAAGAATGGGTACAGCGAGGACATAGA[G>A]CTGGCTTCCCTCCTGGTTTTCTGTGAGATGCGGCCAGTCCTGGTGAGTGGAGAAACACCA-3'
Protein context (NP_002652.2, residues 1166-1186): PLKNGYSEDI[Glu1176=]LASLLVFCEM

ClinVar aggregate classification (germline): Likely benign. Review status: criteria provided, multiple submitters, no conflicts (2 of 4 stars). 2 submissions from 2 submitters: Likely benign (2). Last evaluated 2025-03-16.

Conditions:
Familial cold autoinflammatory syndrome 3 (FCAS3). Also called: FAMILIAL ATYPICAL COLD URTICARIA; ANTIBODY DEFICIENCY AND IMMUNE DYSREGULATION, PLCG2-ASSOCIATED. Identifiers: Orphanet 300359, MedGen C3280914, MONDO:0013766, OMIM 614468.

Allele frequency attached by ClinVar (database versions not stated): gnomAD 0.00001; gnomAD exomes 0.00001; TOPMed 0.00002.
gnomAD v4.1: 14 of 1,613,888 alleles (0.00087%); highest among the groups gnomAD compares: Non-Finnish European, 0.0012%; no homozygotes.

Submissions (2):

Labcorp Genetics (formerly Invitae), Labcorp
Classification: Likely benign for Familial cold autoinflammatory syndrome 3. Last evaluated: 2025-03-16. Review status: criteria provided, single submitter. Criteria: Invitae Variant Classification Sherloc (09022015). Collection method: clinical testing. Allele origin: germline.

CeGaT Center for Human Genetics Tuebingen
Classification: Likely benign. Last evaluated: 2023-02-01. Review status: criteria provided, single submitter. Criteria: CeGaT Center For Human Genetics Tuebingen Variant Classification Criteria Version 2. Collection method: clinical testing. Allele origin: germline. Affected: yes. Observed: 1 variant allele.
Comment: PLCG2: BP4, BP7